The following is an entry in ClinVar:

NM_001001331.4(ATP2B2):c.738C>G (p.Asp246Glu)

Gene: ATP2B2 (ATPase plasma membrane Ca2+ transporting 2; minus strand). Cytogenetic location: 3p25.3.
Variant type: single nucleotide variant.
Coding change: c.738C>G on transcript NM_001001331.4 (MANE Select); coding-DNA position 738, C replaced by G.
Protein change: p.Asp246Glu; replaces aspartic acid 246 with glutamic acid.
Molecular consequence: missense variant.
Genome position (GRCh38, 1-based): chr3:10,400,996, G>C on the plus strand (C>G on the coding strand, the complement: ATP2B2 is on the minus strand). VCF-style: chr3-10400996-G-C. GRCh37 (hg19) VCF-style: chr3-10442680-G-C.
Other names: c.738C>G, p.Asp246Glu (NM_001363862.1, NM_001438036.1, NM_001438646.1 and 3 more transcripts); short protein forms D246E.
Identifiers: ClinVar variation 4530926 (VCV004530926.1).

ClinVar aggregate classification (germline): Uncertain significance (1 of 4 stars; one submission).

Submission:

GeneDx
Classification: Uncertain significance. Last evaluated: 2025-05-15. Review status: criteria provided, single submitter. Criteria: GeneDx Variant Classification Process June 2021. Collection method: clinical testing. Allele origin: germline. Affected: yes.
Comment: Not observed at significant frequency in large population cohorts (gnomAD); In silico analysis supports that this missense variant has a deleterious effect on protein structure/function; Has not been previously published as pathogenic or benign to our knowledge